The following is an entry in ClinVar:

ClinVar aggregate classification (germline): Uncertain significance. Review status: criteria provided, multiple submitters, no conflicts (2 of 4 stars). 2 submissions from 2 submitters: Uncertain significance (2). Last evaluated 2024-01-02.

Conditions:
Left ventricular noncompaction 7 (LVNC7). Identifiers: Orphanet 54260, MedGen C3554496, MONDO:0014042, OMIM 615092.

Allele frequency attached by ClinVar (database versions not stated): ExAC 0.00006; gnomAD exomes 0.00008 and 0.00023; gnomAD 0.00011 and 0.00012; TOPMed 0.00011; ESP Exome Variant Server 0.00038.
gnomAD v4.1: 350 of 1,613,852 alleles (0.022%); highest among the groups gnomAD compares: Non-Finnish European, 0.029%; no homozygotes.

Submissions (2):

GeneDx
Classification: Uncertain significance. Last evaluated: 2024-01-02. Review status: criteria provided, single submitter. Criteria: GeneDx Variant Classification Process June 2021. Collection method: clinical testing. Allele origin: germline. Affected: yes.
Comment: Has not been previously published as pathogenic or benign to our knowledge; In silico analysis supports that this missense variant does not alter protein structure/function

Fulgent Genetics
Classification: Uncertain significance for Left ventricular noncompaction 7. Last evaluated: 2021-11-15. Review status: criteria provided, single submitter. Criteria: ACMG Guidelines, 2015. Collection method: clinical testing. Allele origin: unknown.

NM_020774.4(MIB1):c.2746G>A (p.Gly916Arg)

Gene: MIB1 (MIB E3 ubiquitin protein ligase 1; plus strand). Cytogenetic location: 18q11.2.
Variant type: single nucleotide variant.
Coding change: c.2746G>A on transcript NM_020774.4 (MANE Select); coding-DNA position 2746, G replaced by A.
Protein change: p.Gly916Arg; replaces glycine 916 with arginine.
Molecular consequence: missense variant.
Genome position (GRCh38, 1-based): chr18:21,857,210, G>A. VCF-style: chr18-21857210-G-A. GRCh37 (hg19) VCF-style: chr18-19437171-G-A.
Other names: short protein forms G916R.
Identifiers: ClinVar variation 451819 (VCV000451819.5), dbSNP rs147206277, ClinGen allele CA8908686.